The following is an entry in ClinVar:

ClinVar aggregate classification (germline): Uncertain significance (1 of 4 stars; one submission).

Submission:

Women's Health and Genetics/Laboratory Corporation of America, LabCorp
Classification: Uncertain significance. Last evaluated: 2024-12-04. Review status: criteria provided, single submitter. Criteria: LabCorp Variant Classification Summary - May 2015. Collection method: clinical testing. Allele origin: germline.
Comment: Variant summary: DMD c.110T>A (p.Ile37Asn) results in a non-conservative amino acid change in the encoded protein sequence. Five of five in-silico tools predict a damaging effect of the variant on protein function. The variant was absent in 181877 control chromosomes (gnomAD). The available data on variant occurrences in the general population are insufficient to allow any conclusion about variant significance. c.110T>A has been reported in the literature in at least an individual affected with dystrophinopathy (example: Cho_2017). These data do not allow any conclusion about variant significance. To our knowledge, no experimental evidence demonstrating an impact on protein function has been reported. The following publications have been ascertained in the context of this evaluation (PMID: 27593222, 26743743). No submitters have cited clinical-significance assessments for this variant to ClinVar. Based on the evidence outlined above, the variant was classified as uncertain significance.

Literature cited by the submitters: PubMed 27593222; PubMed 26743743.

NM_004006.3(DMD):c.110T>A (p.Ile37Asn)

Gene: DMD (dystrophin; minus strand). Cytogenetic location: Xp21.1.
Variant type: single nucleotide variant.
Coding change: c.110T>A on transcript NM_004006.3 (MANE Select); coding-DNA position 110, T replaced by A.
Protein change: p.Ile37Asn; replaces isoleucine 37 with asparagine.
Molecular consequence: missense variant. On other transcripts: 5 prime UTR variant (1).
Genome position (GRCh38, 1-based): chrX:32,849,804, A>T on the plus strand (T>A on the coding strand, the complement: DMD is on the minus strand). VCF-style: chrX-32849804-A-T. GRCh37 (hg19) VCF-style: chrX-32867921-A-T.
Other names: c.86T>A, p.Ile29Asn (NM_000109.4); c.98T>A, p.Ile33Asn (NM_004009.3); c.-260T>A (NM_004010.3); short protein forms I29N, I33N, I37N.
Identifiers: ClinVar variation 3768260 (VCV003768260.1).